The following is an entry in ClinVar:

ClinVar aggregate classification (germline): Uncertain significance. Review status: criteria provided, multiple submitters, no conflicts (2 of 4 stars). 2 submissions from 2 submitters: Uncertain significance (2). Last evaluated 2023-01-20.

Conditions:
Microcephaly, normal intelligence and immunodeficiency (NBS). Also called: BERLIN BREAKAGE SYNDROME; SEEMANOVA SYNDROME II; Immunodeficiency, microcephaly with normal intelligence; Nijmegen breakage syndrome; Microcephaly with normal intelligence immunodeficiency and lymphoreticular malignancies; Nonsyndromal microcephaly autosomal recessive with normal intelligence. Identifiers: Orphanet 647, MedGen C0398791, MONDO:0009623, OMIM 251260.
Hereditary cancer-predisposing syndrome. Also called: Tumor predisposition; Neoplastic Syndromes, Hereditary; Hereditary Cancer Syndrome; Hereditary neoplastic syndrome. Identifiers: Orphanet 140162, MedGen C0027672, MeSH D009386, MONDO:0015356.

Submissions (2):

Ambry Genetics
Classification: Uncertain significance for Hereditary cancer-predisposing syndrome. Last evaluated: 2023-01-20. Review status: criteria provided, single submitter. Criteria: Ambry Variant Classification Scheme 2023. Collection method: clinical testing. Allele origin: germline.
Comment: The c.2185-20_2185-4del17 intronic variant, located in intron 14 of the NBN gene, results from a deletion of 17 nucleotides within intron 14 of the NBN gene. This nucleotide position is not well conserved in available vertebrate species. In silico splice site analysis predicts that this alteration will weaken the native splice acceptor site; however, direct evidence is insufficient at this time (Ambry internal data). Since supporting evidence is limited at this time, the clinical significance of this alteration remains unclear.

Labcorp Genetics (formerly Invitae), Labcorp
Classification: Uncertain significance for Microcephaly, normal intelligence and immunodeficiency. Last evaluated: 2021-11-02. Review status: criteria provided, single submitter. Criteria: Invitae Variant Classification Sherloc (09022015). Collection method: clinical testing. Allele origin: germline.
Comment: In summary, the available evidence is currently insufficient to determine the role of this variant in disease. Therefore, it has been classified as a Variant of Uncertain Significance. Studies have shown that this variant results in skipping exon 15 and introduces a new termination codon (Invitae). However the mRNA is not expected to undergo nonsense-mediated decay. ClinVar contains an entry for this variant (Variation ID: 1060720). This variant has not been reported in the literature in individuals affected with NBN-related conditions. This variant is not present in population databases (gnomAD no frequency). This sequence change falls in intron 14 of the NBN gene. It does not directly change the encoded amino acid sequence of the NBN protein. RNA analysis indicates that this variant induces altered splicing and likely disrupts the C-terminus of the protein.

NM_002485.5(NBN):c.2185-20_2185-4del

Gene: NBN (nibrin; minus strand). Cytogenetic location: 8q21.3.
Variant type: Deletion.
Coding change: c.2185-20_2185-4del on transcript NM_002485.5 (MANE Select); 20 bases into the intron before coding-DNA position 2185 through 4 bases into the intron before coding-DNA position 2185, 17 bases deleted (AATTATGTTAATTTTGA).
Molecular consequence: intron variant.
Genome position (GRCh38, 1-based): chr8:89,937,079-89,937,095, TCAAAATTAACATAATT deleted on the plus strand (AATTATGTTAATTTTGA on the coding strand, the reverse complement: NBN is on the minus strand); deleting any 17 consecutive bases within chr8:89,937,079-89,937,100 gives the same sequence; the c. name uses the placement nearest the transcript's 3' end. VCF-style (leftmost placement, unchanged base first): chr8-89937078-GTCAAAATTAACATAATT-G. GRCh37 (hg19) VCF-style: chr8-90949306-GTCAAAATTAACATAATT-G.
Other names: c.2185-20_2185-4del17 (NM_002485.4); c.1939-20_1939-4del (NM_001024688.3).
Identifiers: ClinVar variation 1060720 (VCV001060720.8), dbSNP rs2130739432, ClinGen allele CA2499219401.
Genomic context (GRCh38, chr8:89,937,078, plus strand): 5'-AACTTTACCTAAAAAGATCATCAGCAAGAGACTCTTCTTTTGCATGTTGATTTTGTACCT[GTCAAAATTAACATAATT>G]TCAAACATTTGCTCAGTGGTGAATATATAGTTAATGAATTGCTATAGTGATAGGTCACTG-3'